The following is an entry in ClinVar:

NM_001267550.2(TTN):c.100346A>C (p.Glu33449Ala)

Genes: TTN (titin; minus strand), TTN-AS1 (TTN antisense RNA 1; plus strand), LOC126806420 (BRD4-independent group 4 enhancer GRCh37_chr2:179401104-179402303; plus strand). Cytogenetic location: 2q31.2.
Variant type: single nucleotide variant.
Coding change: c.100346A>C on transcript NM_001267550.2 (MANE Select); coding-DNA position 100346, A replaced by C.
Protein change: p.Glu33449Ala; replaces glutamic acid 33449 with alanine.
Molecular consequence: missense variant.
Genome position (GRCh38, 1-based): chr2:178,536,401, T>G on the plus strand (A>C on the coding strand, the complement: TTN is on the minus strand). VCF-style: chr2-178536401-T-G. GRCh37 (hg19) VCF-style: chr2-179401128-T-G.
Other names: c.95423A>C, p.Glu31808Ala (NM_001256850.1); c.73151A>C, p.Glu24384Ala (NM_003319.4); c.92642A>C, p.Glu30881Ala (NM_133378.4); c.73526A>C, p.Glu24509Ala (NM_133432.3); c.73727A>C, p.Glu24576Ala (NM_133437.4); short protein forms E24384A, E24576A, E24509A, E30881A, E31808A, E33449A.
Identifiers: ClinVar variation 1758279 (VCV001758279.2), dbSNP rs1218969890, ClinGen allele CA349426223.

ClinVar aggregate classification (germline): Uncertain significance (1 of 4 stars; one submission).

Conditions:
Cardiovascular phenotype. Identifiers: MedGen CN230736.

Allele frequency attached by ClinVar (database versions not stated): gnomAD exomes below 0.00001; TOPMed below 0.00001; gnomAD 0.00001.
gnomAD v4.1: 6 of 1,613,620 alleles (0.00037%); highest among the groups gnomAD compares: Non-Finnish European, 0.00042%; no homozygotes.

Submission:

Ambry Genetics
Classification: Uncertain significance for Cardiovascular phenotype. Last evaluated: 2019-12-19. Review status: criteria provided, single submitter. Criteria: Ambry Variant Classification Scheme 2023. Collection method: clinical testing. Allele origin: germline.
Comment: The p.E24384A variant (also known as c.73151A>C), located in coding exon 184 of the TTN gene, results from an A to C substitution at nucleotide position 73151. The glutamic acid at codon 24384 is replaced by alanine, an amino acid with dissimilar properties. This amino acid position is well conserved in available vertebrate species. In addition, this alteration is predicted to be tolerated by in silico analysis. Since supporting evidence is limited at this time, the clinical significance of this alteration remains unclear.